The following is an entry in ClinVar:

NM_000744.7(CHRNA4):c.740C>G (p.Thr247Ser)

Gene: CHRNA4 (cholinergic receptor nicotinic alpha 4 subunit; minus strand). Cytogenetic location: 20q13.33.
Variant type: single nucleotide variant.
Coding change: c.740C>G on transcript NM_000744.7 (MANE Select); coding-DNA position 740, C replaced by G.
Protein change: p.Thr247Ser; replaces threonine 247 with serine.
Molecular consequence: missense variant. On other transcripts: non-coding transcript variant (1).
Genome position (GRCh38, 1-based): chr20:63,350,671, G>C on the plus strand (C>G on the coding strand, the complement: CHRNA4 is on the minus strand). VCF-style: chr20-63350671-G-C. GRCh37 (hg19) VCF-style: chr20-61982023-G-C.
Other names: c.212C>G, p.Thr71Ser (NM_001256573.2); short protein forms T247S, T71S.
Identifiers: ClinVar variation 4070821 (VCV004070821.1).
Genomic context (GRCh38, chr20:63,350,671, plus strand): 5'-AGGTAGAAGACCAGCACGGTGAGGCAGGAGATGAGCAGGCAGGGGATGATGAGGTTGATG[G>C]TGTAGAAGAGCGGCAGCCGCCGGATGACGAAGGCATAGGTGATGTCCGGGTAGATCTCGG-3'
Protein context (NP_000735.1, residues 237-257): FVIRRLPLFY[Thr247Ser]INLIIPCLLI

ClinVar aggregate classification (germline): Uncertain significance (1 of 4 stars; one submission).

Submission:

GeneDx
Classification: Uncertain significance. Last evaluated: 2025-01-21. Review status: criteria provided, single submitter. Criteria: GeneDx Variant Classification Process June 2021. Collection method: clinical testing. Allele origin: germline. Affected: yes.
Comment: Not observed at significant frequency in large population cohorts (gnomAD); In silico analysis supports that this missense variant has a deleterious effect on protein structure/function; Has not been previously published as pathogenic or benign to our knowledge